The following is an entry in ClinVar:

ClinVar aggregate classification (germline): Uncertain significance (1 of 4 stars; one submission).

Submission:

GeneDx
Classification: Uncertain significance. Last evaluated: 2024-03-06. Review status: criteria provided, single submitter. Criteria: GeneDx Variant Classification Process June 2021. Collection method: clinical testing. Allele origin: germline. Affected: yes.
Comment: Not observed at significant frequency in large population cohorts (gnomAD); In silico analysis supports that this missense variant has a deleterious effect on protein structure/function; Has not been previously published as pathogenic or benign to our knowledge

NM_006940.6(SOX5):c.622C>A (p.Gln208Lys)

Gene: SOX5 (SRY-box transcription factor 5; minus strand). Cytogenetic location: 12p12.1.
Variant type: single nucleotide variant.
Coding change: c.622C>A on transcript NM_006940.6 (MANE Select); coding-DNA position 622, C replaced by A.
Protein change: p.Gln208Lys; replaces glutamine 208 with lysine.
Molecular consequence: missense variant.
Genome position (GRCh38, 1-based): chr12:23,740,986, G>T on the plus strand (C>A on the coding strand, the complement: SOX5 is on the minus strand). VCF-style: chr12-23740986-G-T. GRCh37 (hg19) VCF-style: chr12-23893920-G-T.
Other names: c.583C>A, p.Gln195Lys (NM_001261414.3, NM_152989.5); c.592C>A, p.Gln198Lys (NM_001261415.3); c.517C>A, p.Gln173Lys (NM_001330785.2); short protein forms Q173K, Q195K, Q198K, Q208K.
Identifiers: ClinVar variation 3373597 (VCV003373597.1).
Genomic context (GRCh38, chr12:23,740,986, plus strand): 5'-CAGCTAGTTTCTTCTGCTCATCGTGGGCAGCCAACAGCTGCTCTCGGAGGCTGGTCAGCT[G>T]GTTGATCATACCCATGAGTTGCCTTTCTTTCTCAGCTAAGCTCTCGGGAGTCCCTACAAA-3'
Protein context (NP_008871.3, residues 198-218): KERQLMGMIN[Gln208Lys]LTSLREQLLA